The following is an entry in ClinVar:

ClinVar aggregate classification (germline): Benign/Likely benign. Review status: criteria provided, multiple submitters, no conflicts (2 of 4 stars). 3 submissions from 3 submitters: Benign (1); Likely benign (2). Last evaluated 2025-10-18.

Conditions:
Cranioectodermal dysplasia 1 (CED1). Also called: LEVIN SYNDROME I. Identifiers: Orphanet 1515, MedGen C0432235, MONDO:0021093, OMIM 218330.

Allele frequency attached by ClinVar (database versions not stated): gnomAD 0.00021 and 0.00031; gnomAD exomes 0.00029 and 0.00076; TOPMed 0.00047; ExAC 0.00073; 1000 Genomes Project 0.00120; 1000 Genomes Project 30x 0.00125.
gnomAD v4.1: 466 of 1,580,530 alleles (0.029%); highest among the groups gnomAD compares: East Asian, 0.89%; 4 homozygotes.

Submissions (3):

Labcorp Genetics (formerly Invitae), Labcorp
Classification: Benign for Cranioectodermal dysplasia 1. Last evaluated: 2025-10-18. Review status: criteria provided, single submitter. Criteria: Invitae Variant Classification Sherloc (09022015). Collection method: clinical testing. Allele origin: germline.

Illumina Laboratory Services, Illumina
Classification: Likely benign for Cranioectodermal dysplasia 1. Last evaluated: 2018-01-13. Review status: criteria provided, single submitter. Criteria: ICSL Variant Classification Criteria 13 December 2019. Collection method: clinical testing. Allele origin: germline.
Comment: This variant was observed in the ICSL laboratory as part of a predisposition screen in an ostensibly healthy population. It had not been previously curated by ICSL or reported in the Human Gene Mutation Database (HGMD: prior to June 1st, 2018), and was therefore a candidate for classification through an automated scoring system. Utilizing variant allele frequency, disease prevalence and penetrance estimates, and inheritance mode, an automated score was calculated to assess if this variant is too frequent to cause the disease. Based on the score and internal cut-off values, a variant classified as likely benign is not then subjected to further curation. The score for this variant resulted in a classification of likely benign for this disease.

GeneDx
Classification: Likely benign. Last evaluated: 2018-01-08. Review status: criteria provided, single submitter. Criteria: GeneDx Variant Classification (06012015). Collection method: clinical testing. Allele origin: germline. Affected: yes.
Comment: This variant is considered likely benign or benign based on one or more of the following criteria: it is a conservative change, it occurs at a poorly conserved position in the protein, it is predicted to be benign by multiple in silico algorithms, and/or has population frequency not consistent with disease.

NM_052989.3(IFT122):c.1533G>A (p.Leu511=)

Gene: IFT122 (intraflagellar transport 122; plus strand). Cytogenetic location: 3q21.3.
Variant type: single nucleotide variant.
Coding change: c.1533G>A on transcript NM_052989.3 (MANE Select); coding-DNA position 1533, G replaced by A.
Protein change: p.Leu511=; no amino-acid change (leucine 511 retained).
Molecular consequence: synonymous variant.
Genome position (GRCh38, 1-based): chr3:129,481,574, G>A. VCF-style: chr3-129481574-G-A. GRCh37 (hg19) VCF-style: chr3-129200417-G-A.
Other names: c.1509G>A, p.Leu503= (NM_001280541.2); c.1083G>A, p.Leu361= (NM_001280545.2); c.906G>A, p.Leu302= (NM_001280546.2); c.1356G>A, p.Leu452= (NM_018262.4); c.1686G>A, p.Leu562= (NM_052985.4); c.1200G>A, p.Leu400= (NM_052990.3).
Identifiers: ClinVar variation 343241 (VCV000343241.14), dbSNP rs183614690, ClinGen allele CA2606215.